The following is an entry in ClinVar:

ClinVar aggregate classification (germline): Likely benign (0 of 4 stars; one submission).

Conditions:
MC4R-related disorder. Also called: MC4R-related condition.

Submission:

PreventionGenetics, part of Exact Sciences
Classification: Likely benign for MC4R-related condition. Last evaluated: 2020-12-30. Review status: no assertion criteria provided. Collection method: clinical testing. Allele origin: germline.
Comment: This variant is classified as likely benign based on ACMG/AMP sequence variant interpretation guidelines (Richards et al. 2015 PMID: 25741868, with internal and published modifications).

NM_005912.3(MC4R):c.657C>T (p.Ala219=)

Gene: MC4R (melanocortin 4 receptor; minus strand). Cytogenetic location: 18q21.32.
Variant type: single nucleotide variant.
Coding change: c.657C>T on transcript NM_005912.3 (MANE Select); coding-DNA position 657, C replaced by T.
Protein change: p.Ala219=; no amino-acid change (alanine 219 retained).
Molecular consequence: synonymous variant.
Genome position (GRCh38, 1-based): chr18:60,371,693, G>A on the plus strand (C>T on the coding strand, the complement: MC4R is on the minus strand). VCF-style: chr18-60371693-G-A. GRCh37 (hg19) VCF-style: chr18-58038926-G-A.
Identifiers: ClinVar variation 3358639 (VCV003358639.1).
Genomic context (GRCh38, chr18:60,371,693, plus strand): 5'-GGCACCTTGGCGGATGGCACCAGTGCCGGGGAGGACAGCAATCCTCTTAATGTGAAGCCT[G>A]GCCATCAGGAACATGTGGACATAGAGAGAAGCCATGAGAGCCAGCATGGTGAAGAACATG-3'
Protein context (NP_005903.2, residues 209-229): ASLYVHMFLM[Ala219=]RLHIKRIAVL